The following is an entry in ClinVar:

NM_004333.6(BRAF):c.723G>A (p.Thr241=)

Gene: BRAF (B-Raf proto-oncogene, serine/threonine kinase; minus strand). Cytogenetic location: 7q34.
Variant type: single nucleotide variant.
Coding change: c.723G>A on transcript NM_004333.6 (MANE Select); coding-DNA position 723, G replaced by A.
Protein change: p.Thr241=; no amino-acid change (threonine 241 retained).
Molecular consequence: synonymous variant.
Genome position (GRCh38, 1-based): chr7:140,801,549, C>T on the plus strand (G>A on the coding strand, the complement: BRAF is on the minus strand). VCF-style: chr7-140801549-C-T. GRCh37 (hg19) VCF-style: chr7-140501349-C-T.
Other names: c.723G>A, p.Thr241= (NM_001354609.2, NM_001374244.1, NM_001374258.1 and 4 more transcripts); c.732G>A, p.Thr244= (NM_001378467.1); c.621G>A, p.Thr207= (NM_001378470.1); c.567G>A, p.Thr189= (NM_001378472.1, NM_001378473.1); c.459G>A, p.Thr153= (NM_001378475.1).
Identifiers: ClinVar variation 417224 (VCV000417224.39), dbSNP rs369182143, ClinGen allele CA4516899.

ClinVar aggregate classification (germline): Benign/Likely benign. Review status: criteria provided, multiple submitters, no conflicts (2 of 4 stars). 6 submissions from 6 submitters: Benign (2); Likely benign (4). Last evaluated 2026-01-21.

Conditions:
Cardiovascular phenotype. Identifiers: MedGen CN230736.
RASopathy. Also called: Noonan spectrum disorder; rasopathies. Identifiers: Orphanet 536391, MedGen C5555857, MONDO:0021060.

Allele frequency attached by ClinVar (database versions not stated): ExAC 0.00006; gnomAD exomes 0.00007; ESP Exome Variant Server 0.00008; gnomAD 0.00012 and 0.00013; TOPMed 0.00021.
gnomAD v4.1: 104 of 1,612,576 alleles (0.0064%); highest among the groups gnomAD compares: Middle Eastern, 0.017%; no homozygotes.

Submissions (6):

Labcorp Genetics (formerly Invitae), Labcorp
Classification: Likely benign for RASopathy. Last evaluated: 2026-01-21. Review status: criteria provided, single submitter. Criteria: Invitae Variant Classification Sherloc (09022015). Collection method: clinical testing. Allele origin: germline.

CeGaT Center for Human Genetics Tuebingen
Classification: Likely benign. Last evaluated: 2025-05-01. Review status: criteria provided, single submitter. Criteria: CeGaT Center For Human Genetics Tuebingen Variant Classification Criteria Version 2. Collection method: clinical testing. Allele origin: germline. Affected: yes. Observed: 3 variant alleles.
Comment: BRAF: BP4, BP7

Blueprint Genetics
Classification: Likely benign. Last evaluated: 2024-11-07. Review status: criteria provided, single submitter. Criteria: ACMG Guidelines, 2015. Collection method: clinical testing. Allele origin: germline.

Ambry Genetics
Classification: Likely benign for Cardiovascular phenotype. Last evaluated: 2022-09-13. Review status: criteria provided, single submitter. Criteria: Ambry Variant Classification Scheme 2023. Collection method: clinical testing. Allele origin: germline.

Women's Health and Genetics/Laboratory Corporation of America, LabCorp
Classification: Benign. Last evaluated: 2022-02-26. Review status: criteria provided, single submitter. Criteria: LabCorp Variant Classification Summary - May 2015. Collection method: clinical testing. Allele origin: germline.

GeneDx
Classification: Benign. Last evaluated: 2017-04-06. Review status: criteria provided, single submitter. Criteria: GeneDx Variant Classification (06012015). Collection method: clinical testing. Allele origin: germline. Affected: yes.
Comment: This variant is considered likely benign or benign based on one or more of the following criteria: it is a conservative change, it occurs at a poorly conserved position in the protein, it is predicted to be benign by multiple in silico algorithms, and/or has population frequency not consistent with disease.